The following is an entry in ClinVar:

ClinVar aggregate classification (germline): Uncertain significance (1 of 4 stars; one submission).

Conditions:
Primary ciliary dyskinesia. Also called: Ciliary dyskinesia. Identifiers: Orphanet 244, MedGen C0008780, MONDO:0016575, HP:0012265.

Submission:

Ambry Genetics
Classification: Uncertain significance for Primary ciliary dyskinesia. Last evaluated: 2023-11-22. Review status: criteria provided, single submitter. Criteria: Ambry Variant Classification Scheme 2023. Collection method: clinical testing. Allele origin: germline.
Comment: The p.Q196P variant (also known as c.587A>C), located in coding exon 8 of the NME8 gene, results from an A to C substitution at nucleotide position 587. The glutamine at codon 196 is replaced by proline, an amino acid with similar properties. This amino acid position is conserved. In addition, this alteration is predicted to be tolerated by in silico analysis. Since supporting evidence is limited at this time, the clinical significance of this alteration remains unclear.

NM_016616.5(NME8):c.587A>C (p.Gln196Pro)

Gene: NME8 (NME/NM23 family member 8; plus strand). Cytogenetic location: 7p14.1.
Variant type: single nucleotide variant.
Coding change: c.587A>C on transcript NM_016616.5 (MANE Select); coding-DNA position 587, A replaced by C.
Protein change: p.Gln196Pro; replaces glutamine 196 with proline.
Molecular consequence: missense variant.
Genome position (GRCh38, 1-based): chr7:37,865,583, A>C. VCF-style: chr7-37865583-A-C. GRCh37 (hg19) VCF-style: chr7-37905185-A-C.
Other names: short protein forms Q196P.
Identifiers: ClinVar variation 3226919 (VCV003226919.1), dbSNP rs2483627846, ClinGen allele CA367222109.